The following is an entry in ClinVar:

NM_001166108.2(PALLD):c.329C>G (p.Thr110Ser)

Gene: PALLD (palladin, cytoskeletal associated protein; plus strand). Cytogenetic location: 4q32.3.
Variant type: single nucleotide variant.
Coding change: c.329C>G on transcript NM_001166108.2 (MANE Select); coding-DNA position 329, C replaced by G.
Protein change: p.Thr110Ser; replaces threonine 110 with serine.
Molecular consequence: missense variant.
Genome position (GRCh38, 1-based): chr4:168,511,833, C>G. VCF-style: chr4-168511833-C-G. GRCh37 (hg19) VCF-style: chr4-169432984-C-G.
Other names: c.329C>G, p.Thr110Ser (NM_016081.4); short protein forms T110S.
Identifiers: ClinVar variation 2563389 (VCV002563389.2), dbSNP rs1182867988, ClinGen allele CA358725399.

ClinVar aggregate classification (germline): Uncertain significance (1 of 4 stars; one submission).

Allele frequency attached by ClinVar (database versions not stated): TOPMed below 0.00001; gnomAD 0.00001.
gnomAD v4.1: 1 of 1,614,000 alleles (0.000062%); highest among the groups gnomAD compares: Non-Finnish European, 0.000085%; no homozygotes.

Submission:

Ambry Genetics
Classification: Uncertain significance. Last evaluated: 2023-03-23. Review status: criteria provided, single submitter. Criteria: Ambry Variant Classification Scheme 2023. Collection method: clinical testing. Allele origin: germline.
Comment: The p.T110S variant (also known as c.329C>G), located in coding exon 1 of the PALLD gene, results from a C to G substitution at nucleotide position 329. The threonine at codon 110 is replaced by serine, an amino acid with similar properties. This amino acid position is conserved. In addition, this alteration is predicted to be tolerated by in silico analysis. Since supporting evidence is limited at this time, the clinical significance of this alteration remains unclear.